The following is an entry in ClinVar:

ClinVar aggregate classification (germline): Conflicting classifications of pathogenicity. Review status: criteria provided, conflicting classifications (1 of 4 stars). 2 submissions from 2 submitters: Pathogenic (1); Uncertain significance (1). Last evaluated 2025-05-08.

Conditions:
Waardenburg syndrome type 4C (WS4C). Also called: WAARDENBURG SYNDROME WITH HIRSCHSPRUNG DISEASE, TYPE 4C. Identifiers: Orphanet 897, MedGen C2750452, MONDO:0013202, OMIM 613266.
SOX10-related disorder. Also called: SOX10-related condition.

Submissions (2):

PreventionGenetics, part of Exact Sciences
Classification: Uncertain significance for SOX10-related condition. Last evaluated: 2025-05-08. Review status: criteria provided, single submitter. Criteria: ACMG Guidelines, 2015. Collection method: clinical testing. Allele origin: germline.
Comment: The SOX10 c.393C>A variant is predicted to result in the amino acid substitution p.Asn131Lys. To our knowledge, this variant has not been reported in the literature or in a large population database (gnomAD), indicating this variant is rare. Two other substitutions (His, Asp) at this amino acid position have been reported as pathogenic in patients with Waardenburg syndrome (Chaoui et al. 2011. PubMed ID: 21898658; Okamura et al. 2015. PubMed ID: 26364794). Although we suspect that this variant may be pathogenic, at this time, the clinical significance of this variant is uncertain due to the absence of conclusive functional and genetic evidence.

Institute of Rare Diseases, West China Hospital, Sichuan University
Classification: Pathogenic for Waardenburg syndrome type 4C. Last evaluated: 2025-01-09. Review status: criteria provided, single submitter. Criteria: ClinGen HL ACMG Specifications v1. Collection method: research. Allele origin: germline. Affected: yes.
Comment: PM1;PS2;PM5;PP4;PM2_Supporting;PP3

NM_006941.4(SOX10):c.393C>A (p.Asn131Lys)

Genes: POLR2F (RNA polymerase II, I and III subunit F; plus strand), SOX10 (SRY-box transcription factor 10; minus strand). Cytogenetic location: 22q13.1.
Variant type: single nucleotide variant.
Coding change: c.393C>A on transcript NM_006941.4 (MANE Select); coding-DNA position 393, C replaced by A.
Protein change: p.Asn131Lys; replaces asparagine 131 with lysine.
Molecular consequence: missense variant. On other transcripts: intron variant (3).
Genome position (GRCh38, 1-based): chr22:37,983,392, G>T on the plus strand (C>A on the coding strand, the complement: SOX10 is on the minus strand). VCF-style: chr22-37983392-G-T. GRCh37 (hg19) VCF-style: chr22-38379399-G-T.
Other names: c.*38+11082G>T (NM_001363825.1); c.294-2762G>T (NM_001301130.2); c.293+16222G>T (NM_001301131.2); short protein forms N131K.
Identifiers: ClinVar variation 3601825 (VCV003601825.2).